The following is an entry in ClinVar:

NM_001290043.2(TAP2):c.1598C>A (p.Pro533His)

Gene: TAP2 (transporter 2, ATP binding cassette subfamily B member; minus strand). Cytogenetic location: 6p21.32.
Variant type: single nucleotide variant.
Coding change: c.1598C>A on transcript NM_001290043.2 (MANE Select); coding-DNA position 1598, C replaced by A.
Protein change: p.Pro533His; replaces proline 533 with histidine.
Molecular consequence: missense variant.
Genome position (GRCh38, 1-based): chr6:32,830,304, G>T on the plus strand (C>A on the coding strand, the complement: TAP2 is on the minus strand). VCF-style: chr6-32830304-G-T. GRCh37 (hg19) VCF-style: chr6-32798081-G-T.
Other names: c.1598C>A, p.Pro533His (NM_018833.3, NM_000544.3); short protein forms P533H.
Identifiers: ClinVar variation 840474 (VCV000840474.10), dbSNP rs1768977361, ClinGen allele CA363579947.

ClinVar aggregate classification (germline): Uncertain significance (1 of 4 stars; one submission).

Conditions:
MHC class I deficiency. Identifiers: Orphanet 34592, MedGen C6024714, MONDO:0011476.

Submission:

Labcorp Genetics (formerly Invitae), Labcorp
Classification: Uncertain significance for MHC class I deficiency 1. Last evaluated: 2019-12-31. Review status: criteria provided, single submitter. Criteria: Invitae Variant Classification Sherloc (09022015). Collection method: clinical testing. Allele origin: germline.
Comment: This sequence change replaces proline with histidine at codon 533 of the TAP2 protein (p.Pro533His). The proline residue is highly conserved and there is a moderate physicochemical difference between proline and histidine. In summary, the available evidence is currently insufficient to determine the role of this variant in disease. Therefore, it has been classified as a Variant of Uncertain Significance. Algorithms developed to predict the effect of missense changes on protein structure and function are either unavailable or do not agree on the potential impact of this missense change (SIFT: "Deleterious"; PolyPhen-2: "Not Available"; Align-GVGD: "Class C0"). This variant has not been reported in the literature in individuals with TAP2-related conditions. This variant is not present in population databases (ExAC no frequency).